The following is an entry in ClinVar:

NM_024675.4(PALB2):c.2928G>C (p.Arg976Ser)

Gene: PALB2 (partner and localizer of BRCA2; minus strand). Cytogenetic location: 16p12.2.
Variant type: single nucleotide variant.
Coding change: c.2928G>C on transcript NM_024675.4 (MANE Select); coding-DNA position 2928, G replaced by C.
Protein change: p.Arg976Ser; replaces arginine 976 with serine.
Molecular consequence: missense variant. On other transcripts: intron variant (1).
Genome position (GRCh38, 1-based): chr16:23,623,037, C>G on the plus strand (G>C on the coding strand, the complement: PALB2 is on the minus strand). VCF-style: chr16-23623037-C-G. GRCh37 (hg19) VCF-style: chr16-23634358-C-G.
Other names: c.2834+972G>C (NM_001407300.1); c.2868G>C, p.Arg956Ser (NM_001407296.1); c.2856G>C, p.Arg952Ser (NM_001407297.1); c.2766G>C, p.Arg922Ser (NM_001407298.1, NM_001407302.1); c.2928G>C, p.Arg976Ser (NM_001407299.1, NM_001407301.1); c.2043G>C, p.Arg681Ser (NM_001407304.1, NM_001407305.1, NM_001407306.1 and 4 more transcripts); c.1881G>C, p.Arg627Ser (NM_001407307.1); c.1140G>C, p.Arg380Ser (NM_001407312.1, NM_001407313.1); and 1 more; short protein forms R154S, R380S, R627S, R681S, R922S, R952S, R956S, R976S.
Identifiers: ClinVar variation 3228023 (VCV003228023.1), dbSNP rs878855115, ClinGen allele CA395144168.

ClinVar aggregate classification (germline): Uncertain significance (1 of 4 stars; one submission).

Conditions:
Hereditary cancer-predisposing syndrome. Also called: Neoplastic Syndromes, Hereditary; Tumor predisposition; Hereditary neoplastic syndrome; Hereditary Cancer Syndrome. Identifiers: Orphanet 140162, MedGen C0027672, MeSH D009386, MONDO:0015356.

Submission:

Ambry Genetics
Classification: Uncertain significance for Hereditary cancer-predisposing syndrome. Last evaluated: 2024-02-04. Review status: criteria provided, single submitter. Criteria: Ambry Variant Classification Scheme 2023. Collection method: clinical testing. Allele origin: germline.
Comment: The p.R976S variant (also known as c.2928G>C), located in coding exon 9 of the PALB2 gene, results from a G to C substitution at nucleotide position 2928. The arginine at codon 976 is replaced by serine, an amino acid with dissimilar properties. This amino acid position is conserved. In addition, the in silico prediction for this alteration is inconclusive. Based on the available evidence, the clinical significance of this alteration remains unclear.